The following is an entry in ClinVar:

NM_139276.3(STAT3):c.1588G>A (p.Glu530Lys)

Gene: STAT3 (signal transducer and activator of transcription 3; minus strand). Cytogenetic location: 17q21.2.
Variant type: single nucleotide variant.
Coding change: c.1588G>A on transcript NM_139276.3 (MANE Select); coding-DNA position 1588, G replaced by A.
Protein change: p.Glu530Lys; replaces glutamic acid 530 with lysine.
Molecular consequence: missense variant.
Genome position (GRCh38, 1-based): chr17:42,324,723, C>T on the plus strand (G>A on the coding strand, the complement: STAT3 is on the minus strand). VCF-style: chr17-42324723-C-T. GRCh37 (hg19) VCF-style: chr17-40476741-C-T.
Other names: c.1588G>A, p.Glu530Lys (NM_001369512.1, NM_001369513.1, NM_001369514.1 and 10 more transcripts); c.1504G>A, p.Glu502Lys (NM_001384984.1); c.1510G>A, p.Glu504Lys (NM_001384985.1); c.1603G>A, p.Glu535Lys (NM_001384986.1, NM_001384990.1); c.1567G>A, p.Glu523Lys (NM_001384987.1); c.1492G>A, p.Glu498Lys (NM_001384989.1); c.1528G>A, p.Glu510Lys (NM_001384992.1); short protein forms E530K, E498K, E510K, E535K, E502K, E504K, E523K.
Identifiers: ClinVar variation 1519472 (VCV001519472.8), dbSNP rs2144714903, ClinGen allele CA399585942.

ClinVar aggregate classification (germline): Uncertain significance (1 of 4 stars; one submission).

Conditions:
Hyper-IgE recurrent infection syndrome 1, autosomal dominant. Also called: STAT3 Hyper IgE Syndrome; HYPER-IgE SYNDROME 1, AUTOSOMAL DOMINANT, WITH RECURRENT INFECTIONS; Hyper-IgE recurrent infection syndrome 1; JOB SYNDROME; Job's Syndrome. Identifiers: Orphanet 2314, MedGen C2936739, MONDO:0007818, OMIM 147060.
STAT3 gain of function. Identifiers: MedGen C4288261.

Submission:

Labcorp Genetics (formerly Invitae), Labcorp
Classification: Uncertain significance for STAT3 gain of function; Hyper-IgE recurrent infection syndrome 1, autosomal dominant. Last evaluated: 2022-10-24. Review status: criteria provided, single submitter. Criteria: Invitae Variant Classification Sherloc (09022015). Collection method: clinical testing. Allele origin: germline.
Comment: In summary, the available evidence is currently insufficient to determine the role of this variant in disease. Therefore, it has been classified as a Variant of Uncertain Significance. Advanced modeling of protein sequence and biophysical properties (such as structural, functional, and spatial information, amino acid conservation, physicochemical variation, residue mobility, and thermodynamic stability) performed at Invitae indicates that this missense variant is not expected to disrupt STAT3 protein function. ClinVar contains an entry for this variant (Variation ID: 1519472). This variant has not been reported in the literature in individuals affected with STAT3-related conditions. This variant is not present in population databases (gnomAD no frequency). This sequence change replaces glutamic acid, which is acidic and polar, with lysine, which is basic and polar, at codon 530 of the STAT3 protein (p.Glu530Lys).